The following is an entry in ClinVar:

NM_001035.3(RYR2):c.13067C>T (p.Ala4356Val)

Genes: RYR2 (ryanodine receptor 2; plus strand), LOC126806068 (BRD4-independent group 4 enhancer GRCh37_chr1:237947411-237948610; plus strand). Cytogenetic location: 1q43.
Variant type: single nucleotide variant.
Coding change: c.13067C>T on transcript NM_001035.3 (MANE Select); coding-DNA position 13067, C replaced by T.
Protein change: p.Ala4356Val; replaces alanine 4356 with valine.
Molecular consequence: missense variant.
Genome position (GRCh38, 1-based): chr1:237,784,779, C>T. VCF-style: chr1-237784779-C-T. GRCh37 (hg19) VCF-style: chr1-237948079-C-T.
Other names: c.13067C>T, p.Ala4356Val (LRG_402t1); short protein forms A4356V.
Identifiers: ClinVar variation 656351 (VCV000656351.14), dbSNP rs981875785, ClinGen allele CA39828178.
Genomic context (GRCh38, chr1:237,784,779, plus strand): 5'-ACCCCACTCAGGATGAGGTTAGAGGAGATGGGGAGGAGGGAGAGAGGAAACCCCTGGAAG[C>T]CGCCCTGCCCTCCGAGGATCTGACCGACTTAAAGGAGCTGACAGAGGAAAGTGACCTTCT-3'
Protein context (NP_001026.2, residues 4346-4366): GEEGERKPLE[Ala4356Val]ALPSEDLTDL

ClinVar aggregate classification (germline): Uncertain significance. Review status: criteria provided, multiple submitters, no conflicts (2 of 4 stars). 3 submissions from 3 submitters: Uncertain significance (3). Last evaluated 2024-03-06.

Conditions:
Cardiomyopathy (CMYO). Also called: Cardiomyopathies. Identifiers: Orphanet 167848, MedGen C0878544, MONDO:0004994, HP:0001638. Inheritance: Various modes of inheritance.
Catecholaminergic polymorphic ventricular tachycardia 1. Also called: RYR2-Related Catecholaminergic Polymorphic Ventricular Tachycardia; VENTRICULAR TACHYCARDIA, CATECHOLAMINERGIC POLYMORPHIC, 1, WITH OR WITHOUT ATRIAL DYSFUNCTION AND/OR DILATED CARDIOMYOPATHY; VENTRICULAR TACHYCARDIA, STRESS-INDUCED POLYMORPHIC 1. Identifiers: Orphanet 3286, MedGen C1631597, MONDO:0011484, OMIM 604772.
Catecholaminergic polymorphic ventricular tachycardia (CVPT). Also called: Catecholamine-induced polymorphic ventricular tachycardia. Identifiers: Orphanet 3286, MedGen C5574922, MONDO:0017990.

Submissions (3):

Color Diagnostics, LLC DBA Color Health
Classification: Uncertain significance for Cardiomyopathy. Last evaluated: 2024-03-06. Review status: criteria provided, single submitter. Criteria: ACMG Guidelines, 2015. Collection method: clinical testing. Allele origin: germline.
Comment: This missense variant replaces alanine with valine at codon 4356 of the RYR2 protein. Computational prediction suggests that this variant may not impact protein structure and function (internally defined REVEL score threshold <= 0.5, PMID: 27666373). To our knowledge, functional studies have not been reported for this variant. This variant has not been reported in individuals affected with cardiovascular disorders in the literature. This variant has not been identified in the general population by the Genome Aggregation Database (gnomAD). The available evidence is insufficient to determine the role of this variant in disease conclusively. Therefore, this variant is classified as a Variant of Uncertain Significance.

All of Us Research Program, National Institutes of Health
Classification: Uncertain significance for Catecholaminergic polymorphic ventricular tachycardia. Last evaluated: 2023-08-15. Review status: criteria provided, single submitter. Criteria: ACMG Guidelines, 2015. Collection method: clinical testing. Allele origin: germline. Inheritance: Autosomal dominant inheritance. Observed: 1 variant allele, 1 heterozygote.
Comment: This missense variant replaces alanine with valine at codon 4356 of the RYR2 protein. Computational prediction suggests that this variant may not impact protein structure and function (internally defined REVEL score threshold <= 0.5, PMID: 27666373). To our knowledge, functional studies have not been reported for this variant. This variant has not been reported in individuals affected with cardiovascular disorders in the literature. This variant has not been identified in the general population by the Genome Aggregation Database (gnomAD). The available evidence is insufficient to determine the role of this variant in disease conclusively. Therefore, this variant is classified as a Variant of Uncertain Significance.

This study involves interpretation of variants in research participants for the purpose of population health screening. Participant phenotype was not available at the time of variant classification. Additional details can be found in publication PMID: 35346344, PMCID: PMC8962531

Labcorp Genetics (formerly Invitae), Labcorp
Classification: Uncertain significance for Catecholaminergic polymorphic ventricular tachycardia 1. Last evaluated: 2018-07-11. Review status: criteria provided, single submitter. Criteria: Invitae Variant Classification Sherloc (09022015). Collection method: clinical testing. Allele origin: germline.
Comment: In summary, the available evidence is currently insufficient to determine the role of this variant in disease. Therefore, it has been classified as a Variant of Uncertain Significance. Algorithms developed to predict the effect of missense changes on protein structure and function output the following: SIFT: "Tolerated"; PolyPhen-2: "Benign"; Align-GVGD: "Class C0". The valine amino acid residue is found in multiple mammalian species, suggesting that this missense change does not adversely affect protein function. These predictions have not been confirmed by published functional studies and their clinical significance is uncertain. This variant has not been reported in the literature in individuals with RYR2-related disease. This variant is not present in population databases (ExAC no frequency). This sequence change replaces alanine with valine at codon 4356 of the RYR2 protein (p.Ala4356Val). The alanine residue is weakly conserved and there is a small physicochemical difference between alanine and valine.